The following is an entry in ClinVar:

ClinVar aggregate classification (germline): Likely benign. Review status: criteria provided, multiple submitters, no conflicts (2 of 4 stars). 2 submissions from 2 submitters: Likely benign (2). Last evaluated 2025-01-29.

gnomAD v4.1: 13 of 1,614,022 alleles (0.00081%); highest among the groups gnomAD compares: Non-Finnish European, 0.0011%; no homozygotes.

Submissions (2):

Labcorp Genetics (formerly Invitae), Labcorp
Classification: Likely benign. Last evaluated: 2025-01-29. Review status: criteria provided, single submitter. Criteria: Invitae Variant Classification Sherloc (09022015). Collection method: clinical testing. Allele origin: germline.

CeGaT Center for Human Genetics Tuebingen
Classification: Likely benign. Last evaluated: 2024-12-01. Review status: criteria provided, single submitter. Criteria: CeGaT Center For Human Genetics Tuebingen Variant Classification Criteria Version 2. Collection method: clinical testing. Allele origin: germline. Affected: yes. Observed: 1 variant allele.
Comment: SRCAP: BP4, BP7

NM_006662.3(SRCAP):c.396C>T (p.Arg132=)

Gene: SRCAP (Snf2 related CREBBP activator protein; plus strand). Cytogenetic location: 16p11.2.
Variant type: single nucleotide variant.
Coding change: c.396C>T on transcript NM_006662.3 (MANE Select); coding-DNA position 396, C replaced by T.
Protein change: p.Arg132=; no amino-acid change (arginine 132 retained).
Molecular consequence: synonymous variant.
Genome position (GRCh38, 1-based): chr16:30,707,272, C>T. VCF-style: chr16-30707272-C-T. GRCh37 (hg19) VCF-style: chr16-30718593-C-T.
Identifiers: ClinVar variation 3604869 (VCV003604869.15).